The following is an entry in ClinVar:

NM_001349338.3(FOXP1):c.180+4C>T

Gene: FOXP1 (forkhead box P1; minus strand). Cytogenetic location: 3p13.
Variant type: single nucleotide variant.
Coding change: c.180+4C>T on transcript NM_001349338.3 (MANE Select); 4 bases into the intron after coding-DNA position 180, C replaced by T.
Molecular consequence: intron variant.
Genome position (GRCh38, 1-based): chr3:71,198,198, G>A on the plus strand (C>T on the coding strand, the complement: FOXP1 is on the minus strand). VCF-style: chr3-71198198-G-A. GRCh37 (hg19) VCF-style: chr3-71247349-G-A.
Other names: c.180+4C>T (NM_001244810.2, NM_032682.6, NM_001349340.3 and 6 more transcripts).
Identifiers: ClinVar variation 2487828 (VCV002487828.2), dbSNP rs1404018553, ClinGen allele CA2580070432.
Genomic context (GRCh38, chr3:71,198,198, plus strand): 5'-GTAAAATTCAGCAGTAAAATTCGCACCCACCACCTCCACCTCCCAAGACTCCAAAGCCCA[G>A]TACCTGTTGCTGCTGCTGCTGGGCGTGGGCGAGGTCAGCTGCCCCGATGTCCACGGCCGG-3'

ClinVar aggregate classification (germline): Uncertain significance (1 of 4 stars; one submission).

Conditions:
Inborn genetic diseases. Identifiers: MedGen C0950123, MeSH D030342.

Submission:

Ambry Genetics
Classification: Uncertain significance for Inborn genetic diseases. Last evaluated: 2023-03-09. Review status: criteria provided, single submitter. Criteria: Ambry Variant Classification Scheme 2023. Collection method: clinical testing. Allele origin: germline.
Comment: The c.180+4C>T intronic alteration consists of a C to T substitution nucleotides after coding exon 1 in the FOXP1 gene. Based on insufficient or conflicting evidence, the clinical significance of this alteration remains unclear.